The following is an entry in ClinVar:

ClinVar aggregate classification (germline): Pathogenic (1 of 4 stars; one submission).

Conditions:
Hereditary angioedema type 1 (HAE1). Identifiers: Orphanet 100050, Orphanet 100051, Orphanet 91378, MedGen C2717906, MONDO:0015053, OMIM 106100.

Submission:

DNA-diagnostics Laboratory, Research Centre For Medical Genetics
Classification: Pathogenic for Hereditary angioedema type 1. Last evaluated: 2024-08-16. Review status: criteria provided, single submitter. Criteria: ACMG Guidelines, 2015. Collection method: research. Allele origin: germline. Inheritance: Autosomal dominant inheritance. Affected: yes. Observed: 1 heterozygote.
Comment: The pathogenic or likely pathogenic SERPING1 gene variants are detected in >90% of the HAE1/2 families and in >80% of the total HAE families (e.g., DOI: 10.1016/j.molimm.2008.05.007, 10.1159/2F000138883, 10.1016/j.molimm.2011.07.010). This variant has not been reported in a large population database and wasn`t presented in 2910 individuals in control cohort (the general population from Russian Federation). At the same amino acid residue, a different missense change determined to be pathogenic has been seen before (DOI: 10.1016/j.gene.2018.05.029, 10.2478/rrlm-2019-0029, SCV... in ClinVar). Such in silico algorithms as BayesDel, MutPred, REVEL support a deleterious effect of the c.860T>G variant with Moderate evidence of pathogenicity, when choosing at least two identical assessments and using the threshold ranges from ClinGen recommendations (DOI: 10.1016/j.ajhg.2022.10.013). In summary, the c.860T>G variant in SERPING1 meets ACMG/ClinGen SVI guidance criteria to be classified as pathogenic: PP4_Str, PM5, PP3_Mod, PM2_Sup, PP2

Literature cited by the submitters: DOI 10.1016/j.gene.2018.05.029; DOI 10.2478/rrlm-2019-0029.

NM_000062.3(SERPING1):c.860T>G (p.Leu287Arg)

Gene: SERPING1 (serpin family G member 1; plus strand). Cytogenetic location: 11q12.1.
Variant type: single nucleotide variant.
Coding change: c.860T>G on transcript NM_000062.3 (MANE Select); coding-DNA position 860, T replaced by G.
Protein change: p.Leu287Arg; replaces leucine 287 with arginine.
Molecular consequence: missense variant.
Genome position (GRCh38, 1-based): chr11:57,606,184, T>G. VCF-style: chr11-57606184-T-G. GRCh37 (hg19) VCF-style: chr11-57373657-T-G.
Other names: c.860T>G, p.Leu287Arg (NM_001032295.2); short protein forms L287R.
Identifiers: ClinVar variation 3338003 (VCV003338003.2).